The following is an entry in ClinVar:

ClinVar aggregate classification (germline): Uncertain significance. Review status: criteria provided, multiple submitters, no conflicts (2 of 4 stars). 2 submissions from 2 submitters: Uncertain significance (2). Last evaluated 2025-01-07.

Conditions:
Hereditary breast ovarian cancer syndrome. Also called: Hereditary breast and ovarian cancer syndrome (HBOC); Hereditary breast and ovarian cancer syndrome; Breast and ovarian cancer; Hereditary breast and/or ovarian cancer syndrome; Hereditary breast and ovarian cancer; BRCA1- and BRCA2-Associated Hereditary Breast and Ovarian Cancer. Identifiers: Orphanet 145, MedGen C0677776, MeSH D061325, MONDO:0003582. Disease mechanism: loss of function.
Hereditary cancer-predisposing syndrome. Also called: Neoplastic Syndromes, Hereditary; Hereditary Cancer Syndrome; Hereditary neoplastic syndrome; Tumor predisposition. Identifiers: Orphanet 140162, MedGen C0027672, MeSH D009386, MONDO:0015356.

Allele frequency attached by ClinVar (database versions not stated): gnomAD exomes below 0.00001; TOPMed below 0.00001; gnomAD 0.00001.

Submissions (2):

Color Diagnostics, LLC DBA Color Health
Classification: Uncertain significance for Hereditary cancer-predisposing syndrome. Last evaluated: 2025-01-07. Review status: criteria provided, single submitter. Criteria: ACMG Guidelines, 2015. Collection method: clinical testing. Allele origin: germline.
Comment: This variant deleted 5 basepairs in the intron 11 acceptor site in the BRCA2 gene. Splice site prediction tools predict that this variant may have a significant impact on RNA splicing (PMID: 30661751, 35449021). An RNA study has reported that this variant results in partial in-frame skipping of exon 12, c.6842_6937del (p.Glu2282_Gly2313del) that has been reported to be potentially functional (PMID: 32046981). To our knowledge, this variant has not been reported in individuals affected with BRCA2-related disorders in the literature. This variant has been identified in 2/271982 chromosomes in the general population by the Genome Aggregation Database (gnomAD). The available evidence is insufficient to determine the role of this variant in disease conclusively. Therefore, this variant is classified as a Variant of Uncertain Significance.

Labcorp Genetics (formerly Invitae), Labcorp
Classification: Uncertain significance for Hereditary breast ovarian cancer syndrome. Last evaluated: 2023-10-09. Review status: criteria provided, single submitter. Criteria: Invitae Variant Classification Sherloc (09022015). Collection method: clinical testing. Allele origin: germline.
Comment: This sequence change falls in intron 11 of the BRCA2 gene. It does not directly change the encoded amino acid sequence of the BRCA2 protein. This variant is present in population databases (no rsID available, gnomAD 0.009%). This variant has not been reported in the literature in individuals affected with BRCA2-related conditions. ClinVar contains an entry for this variant (Variation ID: 462416). Algorithms developed to predict the effect of sequence changes on RNA splicing suggest that this variant may disrupt the consensus splice site. In summary, the available evidence is currently insufficient to determine the role of this variant in disease. Therefore, it has been classified as a Variant of Uncertain Significance.

Literature cited by the submitters: PubMed 30661751 (cited by Color Diagnostics, LLC DBA Color Health); PubMed 32046981 (cited by Color Diagnostics, LLC DBA Color Health); PubMed 35449021 (cited by Color Diagnostics, LLC DBA Color Health).

NM_000059.4(BRCA2):c.6842-12_6842-8del

Gene: BRCA2 (BRCA2 DNA repair associated; plus strand). Cytogenetic location: 13q13.1.
Variant type: Deletion.
Coding change: c.6842-12_6842-8del on transcript NM_000059.4 (MANE Select); 12 bases into the intron before coding-DNA position 6842 through 8 bases into the intron before coding-DNA position 6842, 5 bases deleted (ATTTC; older notation c.6842-12_6842-8delATTTC).
Molecular consequence: intron variant.
Genome position (GRCh38, 1-based): chr13:32,344,546-32,344,550, ATTTC deleted. VCF-style (leftmost placement, unchanged base first): chr13-32344545-TATTTC-T. GRCh37 (hg19) VCF-style: chr13-32918682-TATTTC-T.
Other names: c.6842-12_6842-8delATTTC (NM_000059.3).
Identifiers: ClinVar variation 462416 (VCV000462416.10), dbSNP rs1427201617, ClinGen allele CA609086791.
Genomic context (GRCh38, chr13:32,344,545, plus strand): 5'-TGGTCTATAGACTTTTGAGAAATAAAACTGATATTATTTGCCTTAAAAACATATATGAAA[TATTTC>T]TTTTTAGGAGAACCCTCAATCAAAAGAAACTTATTAAATGAATTTGACAGGATAATAGAA-3'